The following is an entry in ClinVar:

NM_004006.3(DMD):c.6072T>C (p.Cys2024=)

Gene: DMD (dystrophin; minus strand). Cytogenetic location: Xp21.1.
Variant type: single nucleotide variant.
Coding change: c.6072T>C on transcript NM_004006.3 (MANE Select); coding-DNA position 6072, T replaced by C.
Protein change: p.Cys2024=; no amino-acid change (cysteine 2024 retained).
Molecular consequence: synonymous variant.
Genome position (GRCh38, 1-based): chrX:32,310,127, A>G on the plus strand (T>C on the coding strand, the complement: DMD is on the minus strand). VCF-style: chrX-32310127-A-G. GRCh37 (hg19) VCF-style: chrX-32328244-A-G.
Other names: c.6048T>C, p.Cys2016= (NM_000109.4); c.6060T>C, p.Cys2020= (NM_004009.3); c.5703T>C, p.Cys1901= (NM_004010.3); c.2049T>C, p.Cys683= (NM_004011.4); c.2040T>C, p.Cys680= (NM_004012.4).
Identifiers: ClinVar variation 978345 (VCV000978345.25), dbSNP rs373804251, ClinGen allele CA328532032.

ClinVar aggregate classification (germline): Benign/Likely benign. Review status: criteria provided, multiple submitters, no conflicts (2 of 4 stars). 9 submissions from 9 submitters: Benign (1); Likely benign (5). 3 of the submissions do not count toward it. Last evaluated 2026-01-09.

Conditions:
Duchenne muscular dystrophy (DMD). Also called: Duchenne Muscular Dystrophy (DMD); MUSCULAR DYSTROPHY, PSEUDOHYPERTROPHIC PROGRESSIVE, DUCHENNE TYPE. Identifiers: Orphanet 98896, MedGen C0013264, MONDO:0010679, OMIM 310200.
Dystrophin deficiency.
Becker muscular dystrophy (BMD). Also called: Becker Muscular Dystrophy (BMD); MUSCULAR DYSTROPHY, PSEUDOHYPERTROPHIC PROGRESSIVE, BECKER TYPE. Identifiers: Orphanet 98895, MedGen C0917713, MONDO:0010311, OMIM 300376.
Cardiomyopathy (CMYO). Also called: Cardiomyopathies. Identifiers: Orphanet 167848, MedGen C0878544, MONDO:0004994, HP:0001638. Inheritance: Various modes of inheritance.
Cardiovascular phenotype. Identifiers: MedGen CN230736.

Allele frequency attached by ClinVar (database versions not stated): TOPMed 0.00001; gnomAD 0.00002; gnomAD exomes 0.00002; ESP Exome Variant Server 0.00009.
gnomAD v4.1: 19 of 1,207,826 alleles (0.0016%); highest among the groups gnomAD compares: Non-Finnish European, 0.0021%; no homozygotes.

Submissions (9):

Labcorp Genetics (formerly Invitae), Labcorp
Classification: Likely benign for Duchenne muscular dystrophy. Last evaluated: 2026-01-09. Review status: criteria provided, single submitter. Criteria: Invitae Variant Classification Sherloc (09022015). Collection method: clinical testing. Allele origin: germline.

CeGaT Center for Human Genetics Tuebingen
Classification: Likely benign. Last evaluated: 2025-12-01. Review status: criteria provided, single submitter. Criteria: CeGaT Center For Human Genetics Tuebingen Variant Classification Criteria Version 2. Collection method: clinical testing. Allele origin: germline. Affected: yes. Observed: 1 variant allele.
Comment: DMD: BP4, BP7

Blueprint Genetics
Classification: Likely benign. Last evaluated: 2024-04-18. Review status: criteria provided, single submitter. Criteria: ACMG Guidelines, 2015. Collection method: clinical testing. Allele origin: germline.

Women's Health and Genetics/Laboratory Corporation of America, LabCorp
Classification: Likely benign. Last evaluated: 2023-08-19. Review status: criteria provided, single submitter. Criteria: LabCorp Variant Classification Summary - May 2015. Collection method: clinical testing. Allele origin: germline.

Ambry Genetics
Classification: Likely benign for Cardiovascular phenotype. Last evaluated: 2022-04-09. Review status: criteria provided, single submitter. Criteria: Ambry Variant Classification Scheme 2023. Collection method: clinical testing. Allele origin: germline.

Molecular Diagnostic Laboratory for Inherited Cardiovascular Disease, Montreal Heart Institute
Classification: Benign. Last evaluated: 2019-09-12. Review status: criteria provided, single submitter. Criteria: ACMG Guidelines, 2015. Collection method: clinical testing. Allele origin: germline. Affected: yes.

Natera, Inc.
Classification: Likely benign for Becker muscular dystrophy; Cardiomyopathy; Duchenne muscular dystrophy; Dystrophin deficiency. Last evaluated: 2018-11-06. Review status: no assertion criteria provided. Collection method: clinical testing. Allele origin: germline. Not counted in ClinVar's aggregate classification.

Diagnostic Laboratory, Department of Genetics, University Medical Center Groningen
Classification: Likely benign. Review status: no assertion criteria provided. Collection method: clinical testing. Allele origin: germline. Affected: yes. Study: VKGL Data-share Consensus. Not counted in ClinVar's aggregate classification.

Genome Diagnostics Laboratory, University Medical Center Utrecht
Classification: Likely benign. Review status: no assertion criteria provided. Collection method: clinical testing. Allele origin: germline. Affected: yes. Study: VKGL Data-share Consensus. Not counted in ClinVar's aggregate classification.